The following is an entry in ClinVar:

NM_173598.6(KSR2):c.687G>A (p.Val229=)

Gene: KSR2 (kinase suppressor of ras 2; minus strand). Cytogenetic location: 12q24.23.
Variant type: single nucleotide variant.
Coding change: c.687G>A on transcript NM_173598.6 (MANE Select); coding-DNA position 687, G replaced by A.
Protein change: p.Val229=; no amino-acid change (valine 229 retained).
Molecular consequence: synonymous variant.
Genome position (GRCh38, 1-based): chr12:117,761,310, C>T on the plus strand (G>A on the coding strand, the complement: KSR2 is on the minus strand). VCF-style: chr12-117761310-C-T. GRCh37 (hg19) VCF-style: chr12-118199115-C-T.
Identifiers: ClinVar variation 3048742 (VCV003048742.2), dbSNP rs747073403, ClinGen allele CA6816278.

ClinVar aggregate classification (germline): Likely benign (0 of 4 stars; one submission).

Conditions:
KSR2-related disorder. Also called: KSR2-related condition.

Allele frequency attached by ClinVar (database versions not stated): ExAC 0.00001; gnomAD 0.00001; gnomAD exomes 0.00001.
gnomAD v4.1: 13 of 1,528,842 alleles (0.00085%); highest among the groups gnomAD compares: Admixed American, 0.0068%; no homozygotes.

Submission:

PreventionGenetics, part of Exact Sciences
Classification: Likely benign for KSR2-related condition. Last evaluated: 2019-11-27. Review status: no assertion criteria provided. Collection method: clinical testing. Allele origin: germline.
Comment: This variant is classified as likely benign based on ACMG/AMP sequence variant interpretation guidelines (Richards et al. 2015 PMID: 25741868, with internal and published modifications).